The following is an entry in ClinVar:

ClinVar aggregate classification (germline): Uncertain significance (1 of 4 stars; one submission).

Conditions:
Hereditary cancer-predisposing syndrome. Also called: Neoplastic Syndromes, Hereditary; Tumor predisposition; Hereditary neoplastic syndrome; Hereditary Cancer Syndrome. Identifiers: Orphanet 140162, MedGen C0027672, MeSH D009386, MONDO:0015356.
Cardiovascular phenotype. Identifiers: MedGen CN230736.

Submission:

Ambry Genetics
Classification: Uncertain significance for Cardiovascular phenotype; Hereditary cancer-predisposing syndrome. Last evaluated: 2018-12-28. Review status: criteria provided, single submitter. Criteria: Ambry Variant Classification Scheme 2023. Collection method: clinical testing. Allele origin: germline.
Comment: The p.N2285S variant (also known as c.6854A>G), located in coding exon 45 of the NF1 gene, results from an A to G substitution at nucleotide position 6854. The asparagine at codon 2285 is replaced by serine, an amino acid with highly similar properties. This amino acid position is well conserved in available vertebrate species. In addition, this alteration is predicted to be tolerated by in silico analysis. Since supporting evidence is limited at this time, the clinical significance of this alteration remains unclear.

NM_001042492.3(NF1):c.6917A>G (p.Asn2306Ser)

Gene: NF1 (neurofibromin 1; plus strand). Cytogenetic location: 17q11.2.
Variant type: single nucleotide variant.
Coding change: c.6917A>G on transcript NM_001042492.3 (MANE Select); coding-DNA position 6917, A replaced by G.
Protein change: p.Asn2306Ser; replaces asparagine 2306 with serine.
Molecular consequence: missense variant.
Genome position (GRCh38, 1-based): chr17:31,338,801, A>G. VCF-style: chr17-31338801-A-G. GRCh37 (hg19) VCF-style: chr17-29665819-A-G.
Other names: c.6854A>G, p.Asn2285Ser (NM_000267.4); short protein forms N2306S, N2285S.
Identifiers: ClinVar variation 826667 (VCV000826667.4), dbSNP rs1597846107, ClinGen allele CA399014448.